The following is an entry in ClinVar:

NM_021930.6(RINT1):c.800T>C (p.Leu267Pro)

Gene: RINT1 (RAD50 interactor 1; plus strand). Cytogenetic location: 7q22.3.
Variant type: single nucleotide variant.
Coding change: c.800T>C on transcript NM_021930.6 (MANE Select); coding-DNA position 800, T replaced by C.
Protein change: p.Leu267Pro; replaces leucine 267 with proline.
Molecular consequence: missense variant. On other transcripts: 5 prime UTR variant (2), non-coding transcript variant (1), intron variant (1).
Genome position (GRCh38, 1-based): chr7:105,547,294, T>C. VCF-style: chr7-105547294-T-C. GRCh37 (hg19) VCF-style: chr7-105187741-T-C.
Other names: c.566T>C, p.Leu189Pro (NM_001346599.2); c.-220T>C (NM_001346600.2); c.-123T>C (NM_001346601.2); c.-27-2761T>C (NM_001346603.2); short protein forms L267P, L189P.
Identifiers: ClinVar variation 3314444 (VCV003314444.1).

ClinVar aggregate classification (germline): Uncertain significance (1 of 4 stars; one submission).

gnomAD v4.1: 1 of 1,614,204 alleles (0.000062%); highest among the groups gnomAD compares: Non-Finnish European, 0.000085%; no homozygotes.

Submission:

Ambry Genetics
Classification: Uncertain significance. Last evaluated: 2024-04-04. Review status: criteria provided, single submitter. Criteria: Ambry Variant Classification Scheme 2023. Collection method: clinical testing. Allele origin: germline.
Comment: The p.L267P variant (also known as c.800T>C), located in coding exon 6 of the RINT1 gene, results from a T to C substitution at nucleotide position 800. The leucine at codon 267 is replaced by proline, an amino acid with similar properties. This amino acid position is conserved. In addition, the in silico prediction for this alteration is inconclusive. Based on the available evidence, the clinical significance of this variant remains unclear.